The following is an entry in ClinVar:

NM_000059.4(BRCA2):c.4521G>C (p.Gln1507His)

Gene: BRCA2 (BRCA2 DNA repair associated; plus strand). Cytogenetic location: 13q13.1.
Variant type: single nucleotide variant.
Coding change: c.4521G>C on transcript NM_000059.4 (MANE Select); coding-DNA position 4521, G replaced by C.
Protein change: p.Gln1507His; replaces glutamine 1507 with histidine.
Molecular consequence: missense variant.
Genome position (GRCh38, 1-based): chr13:32,338,876, G>C. VCF-style: chr13-32338876-G-C. GRCh37 (hg19) VCF-style: chr13-32913013-G-C.
Other names: short protein forms Q1507H.
Identifiers: ClinVar variation 1671339 (VCV001671339.9), dbSNP rs2137507194, ClinGen allele CA387781662.

ClinVar aggregate classification (germline): Likely benign. Review status: criteria provided, multiple submitters, no conflicts (2 of 4 stars). 2 submissions from 2 submitters: Likely benign (2). Last evaluated 2025-07-30.

Conditions:
Hereditary cancer-predisposing syndrome. Also called: Tumor predisposition; Hereditary neoplastic syndrome; Hereditary Cancer Syndrome; Neoplastic Syndromes, Hereditary. Identifiers: Orphanet 140162, MedGen C0027672, MeSH D009386, MONDO:0015356.
Hereditary breast ovarian cancer syndrome. Also called: Breast and ovarian cancer; BRCA1- and BRCA2-Associated Hereditary Breast and Ovarian Cancer; Hereditary breast and ovarian cancer; Hereditary breast and ovarian cancer syndrome; Hereditary breast and/or ovarian cancer syndrome; Hereditary breast and ovarian cancer syndrome (HBOC). Identifiers: Orphanet 145, MedGen C0677776, MeSH D061325, MONDO:0003582. Disease mechanism: loss of function.

Submissions (2):

Labcorp Genetics (formerly Invitae), Labcorp
Classification: Likely benign for Hereditary breast ovarian cancer syndrome. Last evaluated: 2025-07-30. Review status: criteria provided, single submitter. Criteria: Invitae Variant Classification Sherloc (09022015). Collection method: clinical testing. Allele origin: germline.

University of Washington Department of Laboratory Medicine, University of Washington
Classification: Likely benign for Hereditary cancer-predisposing syndrome. Last evaluated: 2023-03-23. Review status: criteria provided, single submitter. Criteria: Dines et al. (Genet Med. 2020). Collection method: curation. Allele origin: germline.
Comment: Missense variant in a coldspot region where missense variants are very unlikely to be pathogenic (PMID:31911673).

BRCA2 exon 11 coldspot. Reclassification based on statistical prior probability.